The following is an entry in ClinVar:

NM_002878.4(RAD51D):c.143A>G (p.Lys48Arg)

Genes: RAD51L3-RFFL (RAD51L3-RFFL readthrough; minus strand), RAD51D (RAD51 paralog D; minus strand). Cytogenetic location: 17q12.
Variant type: single nucleotide variant.
Coding change: c.143A>G on transcript NM_002878.4 (MANE Select); coding-DNA position 143, A replaced by G.
Protein change: p.Lys48Arg; replaces lysine 48 with arginine.
Molecular consequence: missense variant. On other transcripts: non-coding transcript variant (2).
Genome position (GRCh38, 1-based): chr17:35,119,112, T>C on the plus strand (A>G on the coding strand, the complement: RAD51D is on the minus strand). VCF-style: chr17-35119112-T-C. GRCh37 (hg19) VCF-style: chr17-33446131-T-C.
Other names: c.143A>G, p.Lys48Arg (NM_001142571.2, NM_133629.3); short protein forms K48R.
Identifiers: ClinVar variation 185676 (VCV000185676.14), dbSNP rs786202365, ClinGen allele CA192587.

ClinVar aggregate classification (germline): Uncertain significance. Review status: criteria provided, multiple submitters, no conflicts (2 of 4 stars). 2 submissions from 2 submitters: Uncertain significance (2). Last evaluated 2022-10-14.

Conditions:
Hereditary cancer-predisposing syndrome. Also called: Hereditary neoplastic syndrome; Neoplastic Syndromes, Hereditary; Tumor predisposition; Hereditary Cancer Syndrome. Identifiers: Orphanet 140162, MedGen C0027672, MeSH D009386, MONDO:0015356.
Breast-ovarian cancer, familial, susceptibility to, 4. Identifiers: Orphanet 145, MedGen C3280345, MONDO:0013669, OMIM 614291.

Submissions (2):

Ambry Genetics
Classification: Uncertain significance for Hereditary cancer-predisposing syndrome. Last evaluated: 2022-10-14. Review status: criteria provided, single submitter. Criteria: Ambry Variant Classification Scheme 2023. Collection method: clinical testing. Allele origin: germline.
Comment: The p.K48R variant (also known as c.143A>G), located in coding exon 2 of the RAD51D gene, results from an A to G substitution at nucleotide position 143. The lysine at codon 48 is replaced by arginine, an amino acid with highly similar properties. This amino acid position is highly conserved in available vertebrate species. In addition, the in silico prediction for this alteration is inconclusive. Since supporting evidence is limited at this time, the clinical significance of this alteration remains unclear.

Labcorp Genetics (formerly Invitae), Labcorp
Classification: Uncertain significance for Breast-ovarian cancer, familial, susceptibility to, 4. Last evaluated: 2022-05-31. Review status: criteria provided, single submitter. Criteria: Invitae Variant Classification Sherloc (09022015). Collection method: clinical testing. Allele origin: germline.
Comment: In summary, the available evidence is currently insufficient to determine the role of this variant in disease. Therefore, it has been classified as a Variant of Uncertain Significance. Studies have shown that this missense change is associated with altered splicing resulting in unknown protein product impact (Invitae). Algorithms developed to predict the effect of missense changes on protein structure and function are either unavailable or do not agree on the potential impact of this missense change (SIFT: "Tolerated"; PolyPhen-2: "Probably Damaging"; Align-GVGD: "Class C0"). ClinVar contains an entry for this variant (Variation ID: 185676). This variant has not been reported in the literature in individuals affected with RAD51D-related conditions. This variant is not present in population databases (gnomAD no frequency). This sequence change replaces lysine, which is basic and polar, with arginine, which is basic and polar, at codon 48 of the RAD51D protein (p.Lys48Arg).